The following is an entry in ClinVar:

NM_003235.5(TG):c.7589G>A (p.Arg2530Gln)

Gene: TG (thyroglobulin; plus strand). Cytogenetic location: 8q24.22.
Variant type: single nucleotide variant.
Coding change: c.7589G>A on transcript NM_003235.5 (MANE Select); coding-DNA position 7589, G replaced by A.
Protein change: p.Arg2530Gln; replaces arginine 2530 with glutamine.
Molecular consequence: missense variant.
Genome position (GRCh38, 1-based): chr8:133,113,438, G>A. VCF-style: chr8-133113438-G-A. GRCh37 (hg19) VCF-style: chr8-134125682-G-A.
Other names: short protein forms R2530Q.
Identifiers: ClinVar variation 259002 (VCV000259002.20), dbSNP rs1133076, ClinGen allele CA4885714.

ClinVar aggregate classification (germline): Benign/Likely benign. Review status: criteria provided, multiple submitters, no conflicts (2 of 4 stars). 10 submissions from 10 submitters: Benign (6); Likely benign (2). 2 of the submissions do not count toward it. Last evaluated 2026-05-09.

Conditions:
Iodotyrosyl coupling defect (TDH3). Also called: HYPOTHYROIDISM, CONGENITAL, DUE TO DYSHORMONOGENESIS, 3; THYROID HORMONOGENESIS, GENETIC DEFECT IN, 3. Identifiers: Orphanet 95716, MedGen C0342194, MONDO:0010135, OMIM 274700.

Allele frequency attached by ClinVar (database versions not stated): gnomAD exomes 0.48419 and 0.48455; ExAC 0.49759; 1000 Genomes Project 0.53734; 1000 Genomes Project 30x 0.54669; TOPMed 0.55000; gnomAD 0.55773 and 0.56572; ESP Exome Variant Server 0.57420.
gnomAD v4.1: 792,723 of 1,613,204 alleles (49%); highest among the groups gnomAD compares: African/African-American, 79%; 200,372 homozygotes.

Submissions (10):

Women's Health and Genetics/Laboratory Corporation of America, LabCorp
Classification: Likely benign. Last evaluated: 2026-05-09. Review status: criteria provided, single submitter. Criteria: LabCorp Variant Classification Summary - May 2015. Collection method: clinical testing. Allele origin: germline.

Labcorp Genetics (formerly Invitae), Labcorp
Classification: Benign. Last evaluated: 2026-02-04. Review status: criteria provided, single submitter. Criteria: Invitae Variant Classification Sherloc (09022015). Collection method: clinical testing. Allele origin: germline.

Blueprint Genetics
Classification: Likely benign. Last evaluated: 2024-11-27. Review status: criteria provided, single submitter. Criteria: ACMG Guidelines, 2015. Collection method: clinical testing. Allele origin: germline.

Genome-Nilou Lab
Classification: Benign for Iodotyrosyl coupling defect. Last evaluated: 2021-09-10. Review status: criteria provided, single submitter. Criteria: ACMG Guidelines, 2015. Collection method: clinical testing. Allele origin: germline. Affected: no.

GeneDx
Classification: Benign. Last evaluated: 2021-06-09. Review status: criteria provided, single submitter. Criteria: GeneDx Variant Classification Process June 2021. Collection method: clinical testing. Allele origin: germline. Affected: yes.
Comment: This variant is associated with the following publications: (PMID: 14633662)

Illumina Laboratory Services, Illumina
Classification: Benign for Iodotyrosyl coupling defect. Last evaluated: 2018-03-06. Review status: criteria provided, single submitter. Criteria: ICSL Variant Classification Criteria 13 December 2019. Collection method: clinical testing. Allele origin: germline.
Comment: This variant was observed in the ICSL laboratory as part of a predisposition screen in an ostensibly healthy population. It had not been previously curated by ICSL or reported in the Human Gene Mutation Database (HGMD: prior to June 1st, 2018), and was therefore a candidate for classification through an automated scoring system. Utilizing variant allele frequency, disease prevalence and penetrance estimates, and inheritance mode, an automated score was calculated to assess if this variant is too frequent to cause the disease. Based on the score and internal cut-off values, a variant classified as benign is not then subjected to further curation. The score for this variant resulted in a classification of benign for this disease.

Breakthrough Genomics
Classification: Benign. Review status: criteria provided, single submitter. Criteria: ACMG Guidelines, 2015. Collection method: not provided. Allele origin: germline. Inheritance: Autosomal recessive inheritance. Affected: yes.

PreventionGenetics, part of Exact Sciences
Classification: Benign. Review status: criteria provided, single submitter. Criteria: ACMG Guidelines, 2015. Collection method: clinical testing. Allele origin: germline.

Clinical Genetics, Academic Medical Center
Classification: Benign. Review status: no assertion criteria provided. Collection method: clinical testing. Allele origin: germline. Affected: yes. Study: VKGL Data-share Consensus. Not counted in ClinVar's aggregate classification.

Diagnostic Laboratory, Department of Genetics, University Medical Center Groningen
Classification: Benign. Review status: no assertion criteria provided. Collection method: clinical testing. Allele origin: germline. Affected: yes. Study: VKGL Data-share Consensus. Not counted in ClinVar's aggregate classification.